The following is an entry in ClinVar:

NM_022458.4(LMBR1):c.423+4916T>C

Genes: ZRS (ZPA regulatory sequence; plus strand), LMBR1 (limb development membrane protein 1; minus strand). Cytogenetic location: 7q36.3.
Variant type: single nucleotide variant.
Coding change: c.423+4916T>C on transcript NM_022458.4 (MANE Select); 4916 bases into the intron after coding-DNA position 423, T replaced by C.
Molecular consequence: intron variant.
Genome position (GRCh38, 1-based): chr7:156,791,473, A>G on the plus strand (T>C on the coding strand, the complement: LMBR1 is on the minus strand). VCF-style: chr7-156791473-A-G. GRCh37 (hg19) VCF-style: chr7-156584167-A-G.
Other names: c.360+4916T>C (NM_001363412.2); c.144+4916T>C (NM_001350954.2); c.423+4916T>C (NM_001363410.2, NM_001363409.2, NM_001350953.2); c.-112+4916T>C (NM_001350958.2, NM_001350956.2, NM_001350955.2 and 1 more transcripts); c.54+4916T>C (NM_001350957.2, NM_001363411.2).
Identifiers: ClinVar variation 1310158 (VCV001310158.2), dbSNP rs2133321190, ClinGen allele CA2573052851.

ClinVar aggregate classification (germline): Uncertain significance (1 of 4 stars; one submission).

Submission:

GeneDx
Classification: Uncertain significance. Last evaluated: 2019-11-13. Review status: criteria provided, single submitter. Criteria: GeneDx Variant Classification Process June 2021. Collection method: clinical testing. Allele origin: germline. Affected: yes.
Comment: In-silico analysis, which includes splice predictors and evolutionary conservation, is inconclusive as to whether the variant alters gene splicing. In the absence of RNA/functional studies, the actual effect of this sequence change is unknown.; Has not been previously published as pathogenic or benign to our knowledge; No data available from control populations to assess the frequency of this variant